The following is an entry in ClinVar:

ClinVar aggregate classification (germline): Benign. Review status: criteria provided, multiple submitters, no conflicts (2 of 4 stars). 3 submissions from 3 submitters: Benign (3). Last evaluated 2026-07-01.

Allele frequency attached by ClinVar (database versions not stated): 1000 Genomes Project 0.00359; 1000 Genomes Project 30x 0.00375; TOPMed 0.00918; gnomAD 0.00930 and 0.00963; ExAC 0.00958; ESP Exome Variant Server 0.00976; gnomAD exomes 0.00976 and 0.01297.
gnomAD v4.1: 20,145 of 1,604,244 alleles (1.3%); highest among the groups gnomAD compares: Middle Eastern, 1.7%; 171 homozygotes.

Submissions (3):

CeGaT Center for Human Genetics Tuebingen
Classification: Benign. Last evaluated: 2026-07-01. Review status: criteria provided, single submitter. Criteria: CeGaT Center For Human Genetics Tuebingen Variant Classification Criteria Version 2. Collection method: clinical testing. Allele origin: germline. Affected: yes. Observed: 11 variant alleles.
Comment: TEX14: BP4, BS1, BS2

Labcorp Genetics (formerly Invitae), Labcorp
Classification: Benign. Last evaluated: 2019-12-31. Review status: criteria provided, single submitter. Criteria: Invitae Variant Classification Sherloc (09022015). Collection method: clinical testing. Allele origin: germline.

Breakthrough Genomics
Classification: Benign. Review status: criteria provided, single submitter. Criteria: ACMG Guidelines, 2015. Collection method: not provided. Allele origin: germline. Inheritance: Autosomal recessive inheritance. Affected: yes.

NM_031272.5(TEX14):c.2789-7T>C

Gene: TEX14 (testis expressed 14, intercellular bridge forming factor; minus strand). Cytogenetic location: 17q22.
Variant type: single nucleotide variant.
Coding change: c.2789-7T>C on transcript NM_031272.5 (MANE Select); 7 bases into the intron before coding-DNA position 2789, T replaced by C.
Molecular consequence: intron variant.
Genome position (GRCh38, 1-based): chr17:58,586,089, A>G on the plus strand (T>C on the coding strand, the complement: TEX14 is on the minus strand). VCF-style: chr17-58586089-A-G. GRCh37 (hg19) VCF-style: chr17-56663450-A-G.
Other names: c.2789-7T>C (NM_198393.4); c.2807-7T>C (NM_001201457.2).
Identifiers: ClinVar variation 789231 (VCV000789231.33), dbSNP rs56343451, ClinGen allele CA8676033.